The following is an entry in ClinVar:

ClinVar aggregate classification (germline): Likely pathogenic. Review status: reviewed by expert panel (3 of 4 stars). 5 submissions from 5 submitters: Likely pathogenic (1). 4 of the submissions do not count toward it. Last evaluated 2026-06-23.

Conditions:
RPE65-related recessive retinopathy. Also called: Recessive RPE65 retinopathy. Identifiers: MedGen CN305526, MONDO:0100368.
Leber congenital amaurosis 2 (LCA2). Also called: AMAUROSIS CONGENITA OF LEBER II; Autosomal Recessive RPE65-Related Retinal Degeneration. Identifiers: Orphanet 65, MedGen C1859844, MONDO:0008765, OMIM 204100. Disease mechanism: loss of function.
Retinitis pigmentosa 20 (RP20). Identifiers: Orphanet 791, MedGen C3151086, MONDO:0013425, OMIM 613794.
Leber congenital amaurosis (LCA). Also called: Leber's amaurosis. Identifiers: Orphanet 65, MedGen C0339527, MeSH D057130, MONDO:0018998.

Allele frequency attached by ClinVar (database versions not stated): gnomAD exomes below 0.00001.

Submissions (5):

ClinGen Leber Congenital Amaurosis/early Onset Retinal Dystrophy Variant Curation Expert Panel, ClinGen
Classification: Likely pathogenic for RPE65-related recessive retinopathy. Last evaluated: 2026-06-23. Review status: reviewed by expert panel. Criteria: ClinGen LCAeoRD ACMG Specifications RPE65 V1.0.0. Collection method: curation. Allele origin: germline. Inheritance: Autosomal recessive inheritance.
Comment: NM_000329.3(RPE65):c.1409C>T (p.Pro470Leu) is a missense variant causing substitution of proline with leucine at amino acid 470. This variant is present in gnomAD v.4.1.0 at a total allele frequency of 0.0000006, with 1 allele of 1,613,736 total alleles, which is lower than the ClinGen LCA / eoRD VCEP PM2_Supporting threshold of <0.0002 (PM2_Supporting). The computational predictor REVEL gives a score of 0.966, which is above the ClinGen LCA / eoRD VCEP threshold of ≥0.773 and predicts a damaging effect on RPE65 function (PP3_Moderate). The splicing impact predictor SpliceAI gives scores of 0.01 for donor loss and acceptor gain, which are below the ClinGen LCA / eoRD VCEP recommended threshold of ≥0.2 and do not strongly predict an impact on splicing. This variant has been reported in at least 2 unrelated probands with early-onset severe retinal dystrophy who were homozygous for the variant (1 point, PMID: 26147992, PMID: 18484312, PM3). At least one proband harboring this variant exhibits a phenotype including absent rod electroretinogram (ERG) responses (0.5 pts), white/yellow dots on color photography of the type seen in fundus albipunctatus in the context of severe retinal dysfunction (2 pts), attenuated vessels (0.5 pts), and nystagmus (1 pt), which together are specific for RPE65-related recessive retinopathy (4 points, PMID: 26147992, PP4). In summary, this variant meets the criteria to be classified as Likely Pathogenic for RPE65-related recessive retinopathy based on the ACMG/AMP criteria applied, as specified by the ClinGen LCA/eoRD VCEP: PM2_Supporting, PP3_Moderate, PM3, and PP4. (VCEP specifications version 1.0.0; date of approval 09/21/2023).

Natera, Inc.
Classification: Likely pathogenic for Leber congenital amaurosis. Last evaluated: 2025-12-29. Review status: criteria provided, single submitter. Criteria: Natera Variant Classification Schema (03/2026). Collection method: clinical testing. Allele origin: germline. Not counted in ClinVar's aggregate classification.
Comment: The c.1409C>T variant in RPE65 is a missense variant predicted to cause substitution of proline to leucine at amino acid 470. This variant is rare in the general population with a frequency below the threshold expected for the associated phenotype(s). This variant has been observed in one or more individuals affected with the associated recessive disease, as either homozygous or compound heterozygous with a second variant (PMID: 18484312, 26147992). This variant has been observed to segregate in affected family members (PMID: 26147992). Computational prediction algorithms indicate this variant is likely to affect gene or protein function. Given the available evidence, this variant is classified as Likely Pathogenic.

Labcorp Genetics (formerly Invitae), Labcorp
Classification: Pathogenic for Leber congenital amaurosis 2; Retinitis pigmentosa 20. Last evaluated: 2024-02-04. Review status: criteria provided, single submitter. Criteria: Invitae Variant Classification Sherloc (09022015). Collection method: clinical testing. Allele origin: germline. Not counted in ClinVar's aggregate classification.
Comment: This sequence change replaces proline, which is neutral and non-polar, with leucine, which is neutral and non-polar, at codon 470 of the RPE65 protein (p.Pro470Leu). This variant is present in population databases (no rsID available, gnomAD 0.003%). This missense change has been observed in individuals with Leber congenital amaurosis or rod cone dystrophy (PMID: 18484312, 26147992, 31816670). It has also been observed to segregate with disease in related individuals. ClinVar contains an entry for this variant (Variation ID: 1070754). Advanced modeling of protein sequence and biophysical properties (such as structural, functional, and spatial information, amino acid conservation, physicochemical variation, residue mobility, and thermodynamic stability) has been performed at Invitae for this missense variant, however the output from this modeling did not meet the statistical confidence thresholds required to predict the impact of this variant on RPE65 protein function. For these reasons, this variant has been classified as Pathogenic.

Baylor Genetics
Classification: Likely pathogenic for Leber congenital amaurosis 2. Last evaluated: 2023-01-30. Review status: criteria provided, single submitter. Criteria: ACMG Guidelines, 2015. Collection method: clinical testing. Allele origin: unknown. Not counted in ClinVar's aggregate classification.

GeneDx
Classification: Likely pathogenic. Last evaluated: 2022-08-15. Review status: criteria provided, single submitter. Criteria: GeneDx Variant Classification Process June 2021. Collection method: clinical testing. Allele origin: germline. Affected: yes. Not counted in ClinVar's aggregate classification.
Comment: Not observed at significant frequency in large population cohorts (gnomAD); In silico analysis supports that this missense variant has a deleterious effect on protein structure/function; This variant is associated with the following publications: (PMID: 30608580, 26147992, 29068479, 18484312, 30996589)

Literature cited by the submitters: PubMed 18484312 (cited by Natera, Inc. and Labcorp Genetics (formerly Invitae), Labcorp); PubMed 26147992 (cited by Natera, Inc. and Labcorp Genetics (formerly Invitae), Labcorp); PubMed 31816670 (cited by Labcorp Genetics (formerly Invitae), Labcorp).

NM_000329.3(RPE65):c.1409C>T (p.Pro470Leu)

Gene: RPE65 (retinoid isomerohydrolase RPE65; minus strand). Cytogenetic location: 1p31.3.
Variant type: single nucleotide variant.
Coding change: c.1409C>T on transcript NM_000329.3 (MANE Select); coding-DNA position 1409, C replaced by T.
Protein change: p.Pro470Leu; replaces proline 470 with leucine.
Molecular consequence: missense variant.
Genome position (GRCh38, 1-based): chr1:68,431,106, G>A on the plus strand (C>T on the coding strand, the complement: RPE65 is on the minus strand). VCF-style: chr1-68431106-G-A. GRCh37 (hg19) VCF-style: chr1-68896789-G-A.
Other names: NM_000329.3(RPE65):c.1409C>T; p.Pro470Leu; c.1409C>T (NM_000329.2); short protein forms P470L.
Identifiers: ClinVar variation 1070754 (VCV001070754.12), dbSNP rs774211361, ClinGen allele CA340741897.